The following is an entry in ClinVar:

NM_006158.5(NEFL):c.32C>A (p.Ser11Ter)

Gene: NEFL (neurofilament light chain; minus strand). Cytogenetic location: 8p21.2.
Variant type: single nucleotide variant.
Coding change: c.32C>A on transcript NM_006158.5 (MANE Select); coding-DNA position 32, C replaced by A.
Protein change: p.Ser11Ter; replaces serine 11 with a stop codon.
Molecular consequence: nonsense.
Genome position (GRCh38, 1-based): chr8:24,956,484, G>T on the plus strand (C>A on the coding strand, the complement: NEFL is on the minus strand). VCF-style: chr8-24956484-G-T. GRCh37 (hg19) VCF-style: chr8-24813998-G-T.
Other names: short protein forms S11*.
Identifiers: ClinVar variation 852797 (VCV000852797.6), dbSNP rs766951637, ClinGen allele CA370624251.

ClinVar aggregate classification (germline): Pathogenic (1 of 4 stars; one submission).

Conditions:
Charcot-Marie-Tooth disease type 2E (CMT2E). Also called: CHARCOT-MARIE-TOOTH DISEASE, AXONAL, TYPE 2E; CHARCOT-MARIE-TOOTH NEUROPATHY, TYPE 2E. Identifiers: Orphanet 99939, MedGen C1843225, MONDO:0011894, OMIM 607684.

Submission:

Labcorp Genetics (formerly Invitae), Labcorp
Classification: Pathogenic for Charcot-Marie-Tooth disease type 2E. Last evaluated: 2022-07-05. Review status: criteria provided, single submitter. Criteria: Invitae Variant Classification Sherloc (09022015). Collection method: clinical testing. Allele origin: germline.
Comment: For these reasons, this variant has been classified as Pathogenic. ClinVar contains an entry for this variant (Variation ID: 852797). This variant has not been reported in the literature in individuals affected with NEFL-related conditions. This variant is not present in population databases (gnomAD no frequency). This sequence change creates a premature translational stop signal (p.Ser11*) in the NEFL gene. It is expected to result in an absent or disrupted protein product. Loss-of-function variants in NEFL are known to be pathogenic (PMID: 19158810, 20039262).

Literature cited by the submitters: PubMed 19158810; PubMed 20039262.